The following is an entry in ClinVar:

ClinVar aggregate classification (germline): Uncertain significance (1 of 4 stars; one submission).

gnomAD v4.1: 11 of 1,613,990 alleles (0.00068%); highest among the groups gnomAD compares: Non-Finnish European, 0.00093%; no homozygotes.

Submission:

Labcorp Genetics (formerly Invitae), Labcorp
Classification: Uncertain significance. Last evaluated: 2025-07-08. Review status: criteria provided, single submitter. Criteria: Invitae Variant Classification Sherloc (09022015). Collection method: clinical testing. Allele origin: germline.
Comment: This sequence change replaces arginine, which is basic and polar, with proline, which is neutral and non-polar, at codon 444 of the LIPC protein (p.Arg444Pro). This variant is not present in population databases (gnomAD no frequency). This variant has not been reported in the literature in individuals affected with LIPC-related conditions. ClinVar contains an entry for this variant (Variation ID: 3671559). Invitae Evidence Modeling of protein sequence and biophysical properties (such as structural, functional, and spatial information, amino acid conservation, physicochemical variation, residue mobility, and thermodynamic stability) indicates that this missense variant is not expected to disrupt LIPC protein function with a negative predictive value of 80%. In summary, the available evidence is currently insufficient to determine the role of this variant in disease. Therefore, it has been classified as a Variant of Uncertain Significance.

NM_000236.3(LIPC):c.1331G>C (p.Arg444Pro)

Gene: LIPC (lipase C, hepatic type; plus strand). Cytogenetic location: 15q21.3.
Variant type: single nucleotide variant.
Coding change: c.1331G>C on transcript NM_000236.3 (MANE Select); coding-DNA position 1331, G replaced by C.
Protein change: p.Arg444Pro; replaces arginine 444 with proline.
Molecular consequence: missense variant.
Genome position (GRCh38, 1-based): chr15:58,563,666, G>C. VCF-style: chr15-58563666-G-C. GRCh37 (hg19) VCF-style: chr15-58855865-G-C.
Other names: short protein forms R444P.
Identifiers: ClinVar variation 3671559 (VCV003671559.2).